The following is an entry in ClinVar:

NM_004787.4(SLIT2):c.3288C>T (p.Asn1096=)

Gene: SLIT2 (slit guidance ligand 2; plus strand). Cytogenetic location: 4p15.31.
Variant type: single nucleotide variant.
Coding change: c.3288C>T on transcript NM_004787.4 (MANE Select); coding-DNA position 3288, C replaced by T.
Protein change: p.Asn1096=; no amino-acid change (asparagine 1096 retained).
Molecular consequence: synonymous variant.
Genome position (GRCh38, 1-based): chr4:20,595,802, C>T. VCF-style: chr4-20595802-C-T. GRCh37 (hg19) VCF-style: chr4-20597425-C-T.
Other names: c.3276C>T, p.Asn1092= (NM_001289135.3); c.3264C>T, p.Asn1088= (NM_001289136.3).
Identifiers: ClinVar variation 719034 (VCV000719034.12), dbSNP rs139127730, ClinGen allele CA2872132.
Genomic context (GRCh38, chr4:20,595,802, plus strand): 5'-TTTTGACGACTGCCAAGACAACAAGTGTAAAAACGGAGCCCACTGCACAGATGCAGTGAA[C>T]GGCTATACGTGCATATGCCCCGAAGGTTACAGGTAAAAGCAGAAATGAATAAGACCTAGT-3'
Protein context (NP_004778.1, residues 1086-1106): KNGAHCTDAV[Asn1096=]GYTCICPEGY

ClinVar aggregate classification (germline): Benign. Review status: criteria provided, multiple submitters, no conflicts (2 of 4 stars). 3 submissions from 3 submitters: Benign (2). 1 of the submissions does not count toward it. Last evaluated 2025-12-21.

Conditions:
SLIT2-related disorder. Also called: SLIT2-related condition.

Allele frequency attached by ClinVar (database versions not stated): TOPMed 0.00091; 1000 Genomes Project 30x 0.01858; ESP Exome Variant Server 0.00023; gnomAD 0.00115; gnomAD exomes 0.00821; 1000 Genomes Project 0.01897.
gnomAD v4.1: 6,263 of 1,613,854 alleles (0.39%); highest among the groups gnomAD compares: South Asian, 5.6%; 206 homozygotes.

Submissions (3):

Labcorp Genetics (formerly Invitae), Labcorp
Classification: Benign. Last evaluated: 2025-12-21. Review status: criteria provided, single submitter. Criteria: Invitae Variant Classification Sherloc (09022015). Collection method: clinical testing. Allele origin: germline.

Breakthrough Genomics
Classification: Benign. Review status: criteria provided, single submitter. Criteria: ACMG Guidelines, 2015. Collection method: not provided. Allele origin: germline. Inheritance: Unknown mechanism. Affected: yes.

PreventionGenetics, part of Exact Sciences
Classification: Benign for SLIT2-related condition. Last evaluated: 2022-07-05. Review status: no assertion criteria provided. Collection method: clinical testing. Allele origin: germline. Not counted in ClinVar's aggregate classification.
Comment: This variant is classified as benign based on ACMG/AMP sequence variant interpretation guidelines (Richards et al. 2015 PMID: 25741868, with internal and published modifications).